The following is an entry in ClinVar:

NM_001735.3(C5):c.4141A>G (p.Ile1381Val)

Gene: C5 (complement C5; minus strand). Cytogenetic location: 9q33.2.
Variant type: single nucleotide variant.
Coding change: c.4141A>G on transcript NM_001735.3 (MANE Select); coding-DNA position 4141, A replaced by G.
Protein change: p.Ile1381Val; replaces isoleucine 1381 with valine.
Molecular consequence: missense variant.
Genome position (GRCh38, 1-based): chr9:120,970,191, T>C on the plus strand (A>G on the coding strand, the complement: C5 is on the minus strand). VCF-style: chr9-120970191-T-C. GRCh37 (hg19) VCF-style: chr9-123732469-T-C.
Other names: c.4159A>G, p.Ile1387Val (NM_001317163.2); short protein forms I1387V, I1381V.
Identifiers: ClinVar variation 1390213 (VCV001390213.3), dbSNP rs2046900320, ClinGen allele CA374752350.
Genomic context (GRCh38, chr9:120,970,191, plus strand): 5'-TTTTAGCCAAAATTACAGCGTAAATCCTGCTGTTTTTACCTTCAATATCCTGAGTATCGA[T>C]TTTCAAATAAAAGCTGCAAACTTCCTCAGAGGTACTGGTTTTGTGAACTACAGTTGTTAC-3'
Protein context (NP_001726.2, residues 1371-1391): SEEVCSFYLK[Ile1381Val]DTQDIEASHY

ClinVar aggregate classification (germline): Uncertain significance (1 of 4 stars; one submission).

Allele frequency attached by ClinVar (database versions not stated): gnomAD exomes below 0.00001.
gnomAD v4.1: 1 of 1,613,152 alleles (0.000062%); highest among the groups gnomAD compares: African/African-American, 0.0013%; no homozygotes.

Submission:

Labcorp Genetics (formerly Invitae), Labcorp
Classification: Uncertain significance. Last evaluated: 2022-07-19. Review status: criteria provided, single submitter. Criteria: Invitae Variant Classification Sherloc (09022015). Collection method: clinical testing. Allele origin: germline.
Comment: This sequence change replaces isoleucine, which is neutral and non-polar, with valine, which is neutral and non-polar, at codon 1381 of the C5 protein (p.Ile1381Val). This variant is not present in population databases (gnomAD no frequency). This variant has not been reported in the literature in individuals affected with C5-related conditions. ClinVar contains an entry for this variant (Variation ID: 1390213). Algorithms developed to predict the effect of missense changes on protein structure and function (SIFT, PolyPhen-2, Align-GVGD) all suggest that this variant is likely to be tolerated. Algorithms developed to predict the effect of sequence changes on RNA splicing suggest that this variant may create or strengthen a splice site. In summary, the available evidence is currently insufficient to determine the role of this variant in disease. Therefore, it has been classified as a Variant of Uncertain Significance.